The following is an entry in ClinVar:

ClinVar aggregate classification (germline): Likely pathogenic (1 of 4 stars; one submission).

Conditions:
VWF-related disorder. Also called: VWF-related disorders; VWF-related condition.

Submission:

Greenwood Genetic Center Diagnostic Laboratories, Greenwood Genetic Center
Classification: Likely pathogenic for VWF-related disorder. Last evaluated: 2025-04-11. Review status: criteria provided, single submitter. Criteria: ACMG Guidelines, 2015. Collection method: clinical testing. Allele origin: germline. Affected: yes.
Comment: PVS1, PM2

NM_000552.5(VWF):c.811_812dup (p.Ala272fs)

Gene: VWF (von Willebrand factor; minus strand). Cytogenetic location: 12p13.31.
Variant type: Duplication.
Coding change: c.811_812dup on transcript NM_000552.5 (MANE Select); coding-DNA positions 811 to 812, 2 bases duplicated (TA; older notation c.811_812dupTA).
Protein change: p.Ala272fs; shifts the reading frame from alanine 272.
Molecular consequence: frameshift variant.
Genome position (GRCh38, 1-based): chr12:6,075,397-6,075,398, TA duplicated on the plus strand (TA on the coding strand, the reverse complement: VWF is on the minus strand). VCF-style (leftmost placement, unchanged base first): chr12-6075396-G-GTA. GRCh37 (hg19) VCF-style: chr12-6184562-G-GTA.
Other names: short protein forms A272fs.
Identifiers: ClinVar variation 4538352 (VCV004538352.1).